The following is an entry in ClinVar:

ClinVar aggregate classification (germline): Uncertain significance. Review status: criteria provided, multiple submitters, no conflicts (2 of 4 stars). 3 submissions from 3 submitters: Uncertain significance (3). Last evaluated 2025-05-29.

Conditions:
Van Maldergem syndrome 1 (VMLDS1). Also called: Van Maldergem syndrome 1 (VMLDS1). Identifiers: Orphanet 314679, MedGen C4551950, MONDO:0011070, OMIM 601390.
Inborn genetic diseases. Identifiers: MedGen C0950123, MeSH D030342.

Allele frequency attached by ClinVar (database versions not stated): TOPMed below 0.00001; ExAC 0.00002.
gnomAD v4.1: 8 of 1,602,766 alleles (0.0005%); highest among the groups gnomAD compares: Non-Finnish European, 0.00068%; no homozygotes.

Submissions (3):

Ambry Genetics
Classification: Uncertain significance for Inborn genetic diseases. Last evaluated: 2025-05-29. Review status: criteria provided, single submitter. Criteria: Ambry Variant Classification Scheme 2023. Collection method: clinical testing. Allele origin: germline.

Labcorp Genetics (formerly Invitae), Labcorp
Classification: Uncertain significance. Last evaluated: 2023-04-28. Review status: criteria provided, single submitter. Criteria: Invitae Variant Classification Sherloc (09022015). Collection method: clinical testing. Allele origin: germline.
Comment: In summary, the available evidence is currently insufficient to determine the role of this variant in disease. Therefore, it has been classified as a Variant of Uncertain Significance. Advanced modeling of protein sequence and biophysical properties (such as structural, functional, and spatial information, amino acid conservation, physicochemical variation, residue mobility, and thermodynamic stability) performed at Invitae indicates that this missense variant is not expected to disrupt DCHS1 protein function. This variant has not been reported in the literature in individuals affected with DCHS1-related conditions. The frequency data for this variant in the population databases is considered unreliable, as metrics indicate poor data quality at this position in the gnomAD database. This sequence change replaces glycine, which is neutral and non-polar, with aspartic acid, which is acidic and polar, at codon 3145 of the DCHS1 protein (p.Gly3145Asp).

Duke University Health System Sequencing Clinic, Duke University Health System
Classification: Uncertain significance for Van Maldergem syndrome 1. Last evaluated: 2023-04-20. Review status: criteria provided, single submitter. Criteria: ACMG Guidelines, 2015. Collection method: research. Allele origin: maternal. Affected: yes.

NM_003737.4(DCHS1):c.9434G>A (p.Gly3145Asp)

Gene: DCHS1 (dachsous cadherin-related 1; minus strand). Cytogenetic location: 11p15.4.
Variant type: single nucleotide variant.
Coding change: c.9434G>A on transcript NM_003737.4 (MANE Select); coding-DNA position 9434, G replaced by A.
Protein change: p.Gly3145Asp; replaces glycine 3145 with aspartic acid.
Molecular consequence: missense variant.
Genome position (GRCh38, 1-based): chr11:6,622,242, C>T on the plus strand (G>A on the coding strand, the complement: DCHS1 is on the minus strand). VCF-style: chr11-6622242-C-T. GRCh37 (hg19) VCF-style: chr11-6643473-C-T.
Other names: c.9434G>A (NM_003737.2); short protein forms G3145D.
Identifiers: ClinVar variation 2499545 (VCV002499545.6), dbSNP rs771730718, ClinGen allele CA5859257.
Genomic context (GRCh38, chr11:6,622,242, plus strand): 5'-TAGTCCCAGTTATAGCTGCCACGGAGCTCCTCCTCGCCGGCCACAATGGCTGTCAGCGCA[C>T]CTGCCACACATGGCTTGCCATCTGCTGGGAAGCCATAGTCCCCAGTGGGTGCAGGGCTCA-3'
Protein context (NP_003728.1, residues 3135-3155): FPADGKPCVA[Gly3145Asp]ALTAIVAGEE